The following is an entry in ClinVar:

NM_006031.6(PCNT):c.1843C>T (p.Gln615Ter)

Gene: PCNT (pericentrin; plus strand). Cytogenetic location: 21q22.3.
Variant type: single nucleotide variant.
Coding change: c.1843C>T on transcript NM_006031.6 (MANE Select); coding-DNA position 1843, C replaced by T.
Protein change: p.Gln615Ter; replaces glutamine 615 with a stop codon.
Molecular consequence: nonsense.
Genome position (GRCh38, 1-based): chr21:46,355,533, C>T. VCF-style: chr21-46355533-C-T. GRCh37 (hg19) VCF-style: chr21-47775448-C-T.
Other names: c.1489C>T, p.Gln497Ter (NM_001315529.2); short protein forms Q615*, Q497*.
Identifiers: ClinVar variation 265331 (VCV000265331.7), dbSNP rs777830265, ClinGen allele CA10078788.

ClinVar aggregate classification (germline): Pathogenic. Review status: criteria provided, multiple submitters, no conflicts (2 of 4 stars). 2 submissions from 2 submitters: Pathogenic (2). Last evaluated 2026-03-19.

Conditions:
PCNT-related disorder. Also called: PCNT-related condition.

Allele frequency attached by ClinVar (database versions not stated): gnomAD exomes below 0.00001; ExAC 0.00001.

Submissions (2):

PreventionGenetics, part of Exact Sciences
Classification: Pathogenic for PCNT-related condition. Last evaluated: 2026-03-19. Review status: criteria provided, single submitter. Criteria: ACMG Guidelines, 2015. Collection method: clinical testing. Allele origin: germline.
Comment: The PCNT c.1843C>T variant is predicted to result in premature protein termination (p.Gln615*). This variant has been reported with another nonsense variant in the gene in an individual with microcephalic osteodysplastic primordial dwarfism type 2 (Huang-Doran et al. 2011. PubMed ID: 21270239). This variant is reported in 0.00088% of alleles in individuals of European (Non-Finnish) descent in gnomAD. Nonsense variants in PCNT are expected to be pathogenic. This variant is interpreted as pathogenic.

GeneDx
Classification: Pathogenic. Last evaluated: 2025-02-03. Review status: criteria provided, single submitter. Criteria: GeneDx Variant Classification Process June 2021. Collection method: clinical testing. Allele origin: germline. Affected: yes.
Comment: Reported in a proband in published literature with features of PCNT-related microcephalic dwarfism (PMID: 21270239); Nonsense variant predicted to result in protein truncation or nonsense mediated decay in a gene for which loss-of-function is a known mechanism of disease; Not observed at significant frequency in large population cohorts (gnomAD); This variant is associated with the following publications: (PMID: 25525159, 35046417, 21270239)